The following is an entry in ClinVar:

NM_000295.5(SERPINA1):c.922G>T (p.Ala308Ser)

Gene: SERPINA1 (serpin family A member 1; minus strand). Cytogenetic location: 14q32.13.
Variant type: single nucleotide variant.
Coding change: c.922G>T on transcript NM_000295.5 (MANE Select); coding-DNA position 922, G replaced by T.
Protein change: p.Ala308Ser; replaces alanine 308 with serine.
Molecular consequence: missense variant.
Genome position (GRCh38, 1-based): chr14:94,379,607, C>A on the plus strand (G>T on the coding strand, the complement: SERPINA1 is on the minus strand). VCF-style: chr14-94379607-C-A. GRCh37 (hg19) VCF-style: chr14-94845944-C-A.
Other names: c.922G>T, p.Ala308Ser (NM_001002235.3, NM_001002236.3, NM_001127700.2 and 7 more transcripts); short protein forms A308S.
Identifiers: ClinVar variation 288456 (VCV000288456.57), dbSNP rs141620200, ClinGen allele CA7327349.

ClinVar aggregate classification (germline): Conflicting classifications of pathogenicity. Review status: criteria provided, conflicting classifications (1 of 4 stars). 8 submissions from 8 submitters: Uncertain significance (3); Benign (1); Likely benign (4). Last evaluated 2026-09-24.

Conditions:
SERPINA1-related disorder. Also called: SERPINA1-related condition; SerpinA1-related disorders.
Alpha-1-antitrypsin deficiency (A1ATD). Also called: Alpha1-Antitrypsin Deficiency; AAT deficiency; A1AT deficiency. Identifiers: Orphanet 60, MedGen C0221757, MONDO:0013282, OMIM 613490.

Allele frequency attached by ClinVar (database versions not stated): 1000 Genomes Project 0.00020; 1000 Genomes Project 30x 0.00031; TOPMed 0.00173; gnomAD exomes 0.00201; gnomAD 0.00215 and 0.00222; ExAC 0.00235; ESP Exome Variant Server 0.00269.
gnomAD v4.1: 5,162 of 1,613,904 alleles (0.32%); highest among the groups gnomAD compares: Non-Finnish European, 0.41%; 14 homozygotes.

Submissions (20):

GeneDx
Classification: Uncertain significance. Last evaluated: 2026-09-24. Review status: criteria provided, single submitter. Criteria: GeneDx Variant Classification Process June 2021. Collection method: clinical testing. Allele origin: germline.
Comment: Reported in an individual with features of alpha-1-antitrypsin deficiency who was also homozygous for the Z allele, which explained the phenotype (Per Bengtson et al. Phenotyping of a-1-Antitrypsin by liquid chromatographyhigh resolution mass spectrometry. Clinical Mass Spectrometry. 2016); Identified in large case control studies in several individuals with lung disease who also harbored the Z variant, but it is not known whether the variants occurred on the same (in cis) or on different (in trans) chromosomes, and at least one of the individuals had normal serum concentrations of AAT (PMID: 31661293, 30254761); Reported in one individual with chronic respiratory disorder in whom no second SERPINA1 variant was identified (PMID: 26987331); In a large study evaluating the rates of venous thromboembolism (VTE), the allele frequency of this variant was found to be 0.4% higher in individuals who had experienced VTE; the variant was seen in the homozygous state in at least one individual with VTE and in the compound heterozygous state in individuals with and without VTE, but detailed clinical information, including AAT serum levels, was not provided (PMID: 35263815); In silico analysis suggests that this missense variant does not alter protein structure/function; This variant is associated with the following publications: (PMID: 30223862, 25010111, 32810967, 30254761, 35263815, 26987331, 31661293, 38637533, 36367950, 41618272, 40359317, 41968586)

CeGaT Center for Human Genetics Tuebingen
Classification: Likely benign. Last evaluated: 2026-08-01. Review status: criteria provided, single submitter. Criteria: CeGaT Center For Human Genetics Tuebingen Variant Classification Criteria Version 2. Collection method: clinical testing. Allele origin: germline. Affected: yes. Observed: 5 variant alleles.
Comment: SERPINA1: BS2

PreventionGenetics, part of Exact Sciences
Classification: Uncertain significance for SERPINA1-related condition. Last evaluated: 2026-07-06. Review status: criteria provided, single submitter. Criteria: ACMG Guidelines, 2015. Collection method: clinical testing. Allele origin: germline.
Comment: The SERPINA1 c.922G>T variant is predicted to result in the amino acid substitution p.Ala308Ser. This variant has been reported as a variant of uncertain significance in trans with the common SERPINA1 Z allele as well as the F allele in patients with chronic obstructive pulmonary disease (COPD) (Foil et al. 2018. PubMed ID: 30254761; Ortega et al. 2020. PubMed ID: 31661293). This variant was also described, along with the S allele, in an individual with alpha-1 antitrypsin deficiency (Matamala et al. 2026. PubMed ID: 41618272). However, this variant was also described as a benign allele in one study (Wiesemann et al. 2023. PubMed ID: 36367950). This variant is reported in 0.39% of alleles in individuals of European (Non-Finnish) descent in gnomAD, including one homozygous individual. Although we suspect that this variant may be benign, at this time, the clinical significance of this variant is uncertain due to the absence of conclusive functional and genetic evidence.

Labcorp Genetics (formerly Invitae), Labcorp
Classification: Likely benign for Alpha-1-antitrypsin deficiency. Last evaluated: 2026-01-28. Review status: criteria provided, single submitter. Criteria: Invitae Variant Classification Sherloc (09022015). Collection method: clinical testing. Allele origin: germline.

Mayo Clinic Laboratories, Mayo Clinic
Classification: Likely benign. Last evaluated: 2025-08-19. Review status: criteria provided, single submitter. Criteria: ACMG Guidelines, 2015. Collection method: clinical testing. Allele origin: germline. Observed: 1 variant allele.
Comment: BS1, BS2, BP4

Illumina Laboratory Services, Illumina
Classification: Uncertain significance for Alpha-1-antitrypsin deficiency. Last evaluated: 2017-04-27. Review status: criteria provided, single submitter. Criteria: ICSL Variant Classification Criteria 13 December 2019. Collection method: clinical testing. Allele origin: germline.

Eurofins Ntd Llc (ga)
Classification: Benign. Last evaluated: 2016-06-02. Review status: criteria provided, single submitter. Criteria: EGL Classification Definitions 2015. Collection method: clinical testing. Allele origin: germline. Observed: 1 variant allele, 1 heterozygote.

Laboratory for Molecular Medicine, Mass General Brigham Personalized Medicine
Classification: Likely benign. Last evaluated: 2013-02-21. Review status: criteria provided, single submitter. Criteria: LMM Criteria. Collection method: clinical testing. Allele origin: germline. Observed: 1 variant allele.
Comment: Ala308Ser in exon 6 of SERPINA1: This variant is not expected to have clinical s ignificance because it has been identified in 0.4% (33/8600) of European America n chromosomes from a broad population by the NHLBI Exome Sequencing Project (dbSNP rs141620200).

Dr. Peter K. Rogan Lab, Western University
No classification provided (evidence only). Condition: Lung cancer. Review status: no classification provided. Collection method: in vitro. Allele origin: not applicable. Functional consequence: retained intron. Not counted in ClinVar's aggregate classification.

Dr. Peter K. Rogan Lab, Western University
No classification provided (evidence only). Condition: Lung cancer. Review status: no classification provided. Collection method: in vitro. Allele origin: not applicable. Functional consequence: skipped exon, retained intron. Not counted in ClinVar's aggregate classification.

Dr. Peter K. Rogan Lab, Western University
No classification provided (evidence only). Condition: Familial cancer of breast. Review status: no classification provided. Collection method: in vitro. Allele origin: not applicable. Functional consequence: retained intron. Not counted in ClinVar's aggregate classification.

Dr. Peter K. Rogan Lab, Western University
No classification provided (evidence only). Condition: Familial cancer of breast. Review status: no classification provided. Collection method: in vitro. Allele origin: not applicable. Functional consequence: retained intron. Not counted in ClinVar's aggregate classification.

Dr. Peter K. Rogan Lab, Western University
No classification provided (evidence only). Condition: Acute myeloid leukemia. Review status: no classification provided. Collection method: in vitro. Allele origin: not applicable. Functional consequence: retained intron. Not counted in ClinVar's aggregate classification.

Dr. Peter K. Rogan Lab, Western University
No classification provided (evidence only). Condition: Colon adenocarcinoma. Review status: no classification provided. Collection method: in vitro. Allele origin: not applicable. Functional consequence: retained intron. Not counted in ClinVar's aggregate classification.

Dr. Peter K. Rogan Lab, Western University
No classification provided (evidence only). Condition: Thyroid cancer, nonmedullary, 1. Review status: no classification provided. Collection method: in vitro. Allele origin: not applicable. Functional consequence: retained intron. Not counted in ClinVar's aggregate classification.

Dr. Peter K. Rogan Lab, Western University
No classification provided (evidence only). Condition: Thyroid cancer, nonmedullary, 1. Review status: no classification provided. Collection method: in vitro. Allele origin: not applicable. Functional consequence: retained intron. Not counted in ClinVar's aggregate classification.

Dr. Peter K. Rogan Lab, Western University
No classification provided (evidence only). Condition: Uterine corpus endometrial carcinoma. Review status: no classification provided. Collection method: in vitro. Allele origin: not applicable. Functional consequence: retained intron. Not counted in ClinVar's aggregate classification.

Dr. Peter K. Rogan Lab, Western University
No classification provided (evidence only). Condition: Uterine corpus endometrial carcinoma. Review status: no classification provided. Collection method: in vitro. Allele origin: not applicable. Functional consequence: retained intron. Not counted in ClinVar's aggregate classification.

Dr. Peter K. Rogan Lab, Western University
No classification provided (evidence only). Condition: Cervical cancer. Review status: no classification provided. Collection method: in vitro. Allele origin: not applicable. Functional consequence: retained intron. Not counted in ClinVar's aggregate classification.

Dr. Peter K. Rogan Lab, Western University
No classification provided (evidence only). Condition: Hepatocellular carcinoma. Review status: no classification provided. Collection method: in vitro. Allele origin: not applicable. Functional consequence: retained intron. Not counted in ClinVar's aggregate classification.